The following is an entry in ClinVar:

ClinVar aggregate classification (germline): Uncertain significance (1 of 4 stars; one submission).

Conditions:
Inborn genetic diseases. Identifiers: MedGen C0950123, MeSH D030342.

Submission:

Ambry Genetics
Classification: Uncertain significance for Inborn genetic diseases. Last evaluated: 2025-10-26. Review status: criteria provided, single submitter. Criteria: Ambry Variant Classification Scheme 2023. Collection method: clinical testing. Allele origin: germline.
Comment: The p.Q239R variant (also known as c.716A>G), located in coding exon 2 of the GATA2 gene, results from an A to G substitution at nucleotide position 716. The glutamine at codon 239 is replaced by arginine, an amino acid with highly similar properties. This amino acid position is conserved. In addition, this alteration is predicted to be deleterious by in silico analysis. Based on the available evidence, the clinical significance of this variant remains unclear.

NM_032638.5(GATA2):c.716A>G (p.Gln239Arg)

Gene: GATA2 (GATA binding protein 2; minus strand). Cytogenetic location: 3q21.3.
Variant type: single nucleotide variant.
Coding change: c.716A>G on transcript NM_032638.5 (MANE Select); coding-DNA position 716, A replaced by G.
Protein change: p.Gln239Arg; replaces glutamine 239 with arginine.
Molecular consequence: missense variant.
Genome position (GRCh38, 1-based): chr3:128,485,882, T>C on the plus strand (A>G on the coding strand, the complement: GATA2 is on the minus strand). VCF-style: chr3-128485882-T-C. GRCh37 (hg19) VCF-style: chr3-128204725-T-C.
Other names: c.716A>G, p.Gln239Arg (NM_001145661.2, NM_001145662.1); short protein forms Q239R.
Identifiers: ClinVar variation 4620631 (VCV004620631.1).